The following is an entry in ClinVar:

ClinVar aggregate classification (germline): Uncertain significance (1 of 4 stars; one submission).

Conditions:
Familial cold autoinflammatory syndrome 3 (FCAS3). Also called: FAMILIAL ATYPICAL COLD URTICARIA; ANTIBODY DEFICIENCY AND IMMUNE DYSREGULATION, PLCG2-ASSOCIATED. Identifiers: Orphanet 300359, MedGen C3280914, MONDO:0013766, OMIM 614468.

Submission:

Labcorp Genetics (formerly Invitae), Labcorp
Classification: Uncertain significance for Familial cold autoinflammatory syndrome 3. Last evaluated: 2023-09-12. Review status: criteria provided, single submitter. Criteria: Invitae Variant Classification Sherloc (09022015). Collection method: clinical testing. Allele origin: germline.
Comment: In summary, the available evidence is currently insufficient to determine the role of this variant in disease. Therefore, it has been classified as a Variant of Uncertain Significance. An algorithm developed to predict the effect of missense changes on protein structure and function (PolyPhen-2) suggests that this variant is likely to be disruptive. This variant has not been reported in the literature in individuals affected with PLCG2-related conditions. This variant is not present in population databases (gnomAD no frequency). This sequence change replaces glutamic acid, which is acidic and polar, with glycine, which is neutral and non-polar, at codon 83 of the PLCG2 protein (p.Glu83Gly).

NM_002661.5(PLCG2):c.248A>G (p.Glu83Gly)

Gene: PLCG2 (phospholipase C gamma 2; plus strand). Cytogenetic location: 16q23.3.
Variant type: single nucleotide variant.
Coding change: c.248A>G on transcript NM_002661.5 (MANE Select); coding-DNA position 248, A replaced by G.
Protein change: p.Glu83Gly; replaces glutamic acid 83 with glycine.
Molecular consequence: missense variant.
Genome position (GRCh38, 1-based): chr16:81,854,498, A>G. VCF-style: chr16-81854498-A-G. GRCh37 (hg19) VCF-style: chr16-81888103-A-G.
Other names: c.248A>G, p.Glu83Gly (NM_001425749.1, NM_001425750.1, NM_001425751.1); short protein forms E83G.
Identifiers: ClinVar variation 2862872 (VCV002862872.3), dbSNP rs2507509815, ClinGen allele CA396900563.